The following is an entry in ClinVar:

ClinVar aggregate classification (germline): Uncertain significance (1 of 4 stars; one submission).

Submission:

GeneDx
Classification: Uncertain significance. Last evaluated: 2024-05-19. Review status: criteria provided, single submitter. Criteria: GeneDx Variant Classification Process June 2021. Collection method: clinical testing. Allele origin: germline. Affected: yes.
Comment: Not observed at significant frequency in large population cohorts (gnomAD); In silico analysis supports that this missense variant has a deleterious effect on protein structure/function; Has not been previously published as pathogenic or benign to our knowledge

NM_000829.4(GRIA4):c.1471T>A (p.Tyr491Asn)

Gene: GRIA4 (glutamate ionotropic receptor AMPA type subunit 4; plus strand). Cytogenetic location: 11q22.3.
Variant type: single nucleotide variant.
Coding change: c.1471T>A on transcript NM_000829.4 (MANE Select); coding-DNA position 1471, T replaced by A.
Protein change: p.Tyr491Asn; replaces tyrosine 491 with asparagine.
Molecular consequence: missense variant. On other transcripts: non-coding transcript variant (1).
Genome position (GRCh38, 1-based): chr11:105,918,913, T>A. VCF-style: chr11-105918913-T-A. GRCh37 (hg19) VCF-style: chr11-105789639-T-A.
Other names: c.1471T>A, p.Tyr491Asn (NM_001077243.3); short protein forms Y491N.
Identifiers: ClinVar variation 3381641 (VCV003381641.1).